The following is an entry in ClinVar:

ClinVar aggregate classification (germline): Uncertain significance (1 of 4 stars; one submission).

Conditions:
Inborn genetic diseases. Identifiers: MedGen C0950123, MeSH D030342.

gnomAD v4.1: 1 of 1,613,978 alleles (0.000062%); highest among the groups gnomAD compares: Non-Finnish European, 0.000085%; no homozygotes.

Submission:

Ambry Genetics
Classification: Uncertain significance for Inborn genetic diseases. Last evaluated: 2025-10-22. Review status: criteria provided, single submitter. Criteria: Ambry Variant Classification Scheme 2023. Collection method: clinical testing. Allele origin: germline.
Comment: The p.I742S variant (also known as c.2225T>G), located in coding exon 12 of the BMPR2 gene, results from a T to G substitution at nucleotide position 2225. The isoleucine at codon 742 is replaced by serine, an amino acid with dissimilar properties. This amino acid position is conserved. In addition, the in silico prediction for this alteration is inconclusive. Based on the available evidence, the clinical significance of this variant remains unclear.

NM_001204.7(BMPR2):c.2225T>G (p.Ile742Ser)

Gene: BMPR2 (bone morphogenetic protein receptor type 2; plus strand). Cytogenetic location: 2q33.2.
Variant type: single nucleotide variant.
Coding change: c.2225T>G on transcript NM_001204.7 (MANE Select); coding-DNA position 2225, T replaced by G.
Protein change: p.Ile742Ser; replaces isoleucine 742 with serine.
Molecular consequence: missense variant.
Genome position (GRCh38, 1-based): chr2:202,555,890, T>G. VCF-style: chr2-202555890-T-G. GRCh37 (hg19) VCF-style: chr2-203420613-T-G.
Other names: short protein forms I742S.
Identifiers: ClinVar variation 4597423 (VCV004597423.1).